The following is an entry in ClinVar:

NM_000051.4(ATM):c.7089G>A (p.Lys2363=)

Genes: ATM (ATM serine/threonine kinase; plus strand), C11orf65 (chromosome 11 open reading frame 65; minus strand). Cytogenetic location: 11q22.3.
Variant type: single nucleotide variant.
Coding change: c.7089G>A on transcript NM_000051.4 (MANE Select); coding-DNA position 7089, G replaced by A.
Protein change: p.Lys2363=; no amino-acid change (lysine 2363 retained).
Molecular consequence: synonymous variant. On other transcripts: intron variant (2).
Genome position (GRCh38, 1-based): chr11:108,327,758, G>A. VCF-style: chr11-108327758-G-A. GRCh37 (hg19) VCF-style: chr11-108198485-G-A.
Other names: c.7089G>A, p.Lys2363= (NM_001351834.2); c.641-18687C>T (NM_001330368.2); c.*38+7462C>T (NM_001351110.2).
Identifiers: ClinVar variation 4731534 (VCV004731534.1).

ClinVar aggregate classification (germline): Uncertain significance (1 of 4 stars; one submission).

Conditions:
Ataxia-telangiectasia syndrome (AT). Also called: Ataxia-telangiectasia, complementation group D; AT, COMPLEMENTATION GROUP C; ATAXIA-TELANGIECTASIA, COMPLEMENTATION GROUP A; ATAXIA-TELANGIECTASIA, FRESNO VARIANT; Ataxia-telangiectasia; Ataxia-telangiectasia, complementation group E. Identifiers: Orphanet 100, MedGen C0004135, MONDO:0008840, OMIM 208900.

Submission:

Labcorp Genetics (formerly Invitae), Labcorp
Classification: Uncertain significance for Ataxia-telangiectasia syndrome. Last evaluated: 2025-11-19. Review status: criteria provided, single submitter. Criteria: Invitae Variant Classification Sherloc (09022015). Collection method: clinical testing. Allele origin: germline.
Comment: This sequence change affects codon 2363 of the ATM mRNA. It is a 'silent' change, meaning that it does not change the encoded amino acid sequence of the ATM protein. This variant also falls at the last nucleotide of exon 48, which is part of the consensus splice site for this exon. This variant is not present in population databases (gnomAD no frequency). This variant has not been reported in the literature in individuals affected with ATM-related conditions. Variants that disrupt the consensus splice site are a relatively common cause of aberrant splicing (PMID: 17576681, 9536098). Algorithms developed to predict the effect of sequence changes on RNA splicing suggest that this variant may disrupt the consensus splice site. In summary, the available evidence is currently insufficient to determine the role of this variant in disease. Therefore, it has been classified as a Variant of Uncertain Significance.

Literature cited by the submitters: PubMed 17576681; PubMed 9536098.